The following is an entry in ClinVar:

NM_001278716.2(FBXL4):c.33G>A (p.Leu11=)

Gene: FBXL4 (F-box and leucine rich repeat protein 4; minus strand). Cytogenetic location: 6q16.2.
Variant type: single nucleotide variant.
Coding change: c.33G>A on transcript NM_001278716.2 (MANE Select); coding-DNA position 33, G replaced by A.
Protein change: p.Leu11=; no amino-acid change (leucine 11 retained).
Molecular consequence: synonymous variant. On other transcripts: non-coding transcript variant (2).
Genome position (GRCh38, 1-based): chr6:98,926,956, C>T on the plus strand (G>A on the coding strand, the complement: FBXL4 is on the minus strand). VCF-style: chr6-98926956-C-T. GRCh37 (hg19) VCF-style: chr6-99374832-C-T.
Other names: c.33G>A, p.Leu11= (NM_012160.5).
Identifiers: ClinVar variation 437516 (VCV000437516.1), dbSNP rs774699896, ClinGen allele CA3933760.

ClinVar aggregate classification (germline): Uncertain significance (1 of 4 stars; one submission).

Conditions:
Mitochondrial DNA depletion syndrome 13. Also called: FBXL4-Related Encephalomyopathic Mitochondrial DNA Depletion Syndrome; Mitochondrial DNA depletion syndrome 13 (encephalomyopathic type). Identifiers: Orphanet 369897, MedGen C3809592, MONDO:0014198, OMIM 615471.

Allele frequency attached by ClinVar (database versions not stated): gnomAD exomes below 0.00001; ExAC 0.00001.
gnomAD v4.1: 1 of 1,613,996 alleles (0.000062%); highest among the groups gnomAD compares: Admixed American, 0.0017%; no homozygotes.

Submission:

Wong Mito Lab, Molecular and Human Genetics, Baylor College of Medicine
Classification: Uncertain significance for Mitochondrial DNA depletion syndrome 13. Last evaluated: 2017-08-10. Review status: criteria provided, single submitter. Criteria: ACMG Guidelines, 2015. Collection method: reference population. Allele origin: germline.
Comment: The NM_012160.4:c.33G>A (NP_036292.2:p.Leu11=) [GRCH38: NC_000006.12:g.98926956C>T] variant in FBXL4 gene is interpretated to be a Uncertain Significance - Conflicting Evidence based on ACMG guidelines (PMID: 25741868). This variant meets one or more of the following evidence codes reported in the ACMG-guideline. PM2:This variant is absent in key population databases. BP4:Computational evidence/predictors indicate no impact on the FBXL4 structure, function, or protein-protein interaction. BP7:The variant is silent with non predicted splice impact. Based on this evidence code ClinGen Pathogenicity Calculator (PMID:28081714) suggested that the variant is Uncertain Significance - Conflicting Evidence.